The following is an entry in ClinVar:

ClinVar aggregate classification (germline): Conflicting classifications of pathogenicity. Review status: criteria provided, conflicting classifications (1 of 4 stars). 6 submissions from 6 submitters: Uncertain significance (5); Likely benign (1). Last evaluated 2025-01-23.

Conditions:
Inborn genetic diseases. Identifiers: MedGen C0950123, MeSH D030342.
Upshaw-Schulman syndrome (TTP). Also called: THROMBOTIC THROMBOCYTOPENIC PURPURA, HEREDITARY; Congenital thrombotic thrombocytopenic purpura. Identifiers: Orphanet 93583, MedGen C1268935, MONDO:0010122, OMIM 274150.

Allele frequency attached by ClinVar (database versions not stated): TOPMed 0.00012; gnomAD 0.00013; ESP Exome Variant Server 0.00015; ExAC 0.00016.
gnomAD v4.1: 389 of 1,614,056 alleles (0.024%); highest among the groups gnomAD compares: Non-Finnish European, 0.031%; no homozygotes.

Submissions (6):

Mayo Clinic Laboratories, Mayo Clinic
Classification: Uncertain significance. Last evaluated: 2025-01-23. Review status: criteria provided, single submitter. Criteria: ACMG Guidelines, 2015. Collection method: clinical testing. Allele origin: germline. Observed: 1 variant allele.
Comment: BP4

Labcorp Genetics (formerly Invitae), Labcorp
Classification: Uncertain significance. Last evaluated: 2024-10-25. Review status: criteria provided, single submitter. Criteria: Invitae Variant Classification Sherloc (09022015). Collection method: clinical testing. Allele origin: germline.
Comment: This sequence change replaces arginine, which is basic and polar, with serine, which is neutral and polar, at codon 544 of the ADAMTS13 protein (p.Arg544Ser). This variant is present in population databases (rs142282539, gnomAD 0.03%). This variant has not been reported in the literature in individuals affected with ADAMTS13-related conditions. ClinVar contains an entry for this variant (Variation ID: 2059688). Invitae Evidence Modeling of protein sequence and biophysical properties (such as structural, functional, and spatial information, amino acid conservation, physicochemical variation, residue mobility, and thermodynamic stability) indicates that this missense variant is not expected to disrupt ADAMTS13 protein function with a negative predictive value of 80%. In summary, the available evidence is currently insufficient to determine the role of this variant in disease. Therefore, it has been classified as a Variant of Uncertain Significance.

Fulgent Genetics
Classification: Uncertain significance for Upshaw-Schulman syndrome. Last evaluated: 2024-05-13. Review status: criteria provided, single submitter. Criteria: ACMG Guidelines, 2015. Collection method: clinical testing. Allele origin: germline.

Blueprint Genetics
Classification: Likely benign. Last evaluated: 2024-02-08. Review status: criteria provided, single submitter. Criteria: ACMG Guidelines, 2015. Collection method: clinical testing. Allele origin: germline.

Ambry Genetics
Classification: Uncertain significance for Inborn genetic diseases. Last evaluated: 2023-06-06. Review status: criteria provided, single submitter. Criteria: Ambry Variant Classification Scheme 2023. Collection method: clinical testing. Allele origin: germline.

Department of Pathology and Laboratory Medicine, Sinai Health System
Classification: Uncertain significance for Upshaw-Schulman syndrome. Last evaluated: 2021-01-14. Review status: criteria provided, single submitter. Criteria: ACMG Guidelines, 2015. Collection method: research. Allele origin: germline.

NM_139027.6(ADAMTS13):c.1632G>T (p.Arg544Ser)

Gene: ADAMTS13 (ADAM metallopeptidase with thrombospondin type 1 motif 13; plus strand). Cytogenetic location: 9q34.2.
Variant type: single nucleotide variant.
Coding change: c.1632G>T on transcript NM_139027.6 (MANE Select); coding-DNA position 1632, G replaced by T.
Protein change: p.Arg544Ser; replaces arginine 544 with serine.
Molecular consequence: missense variant.
Genome position (GRCh38, 1-based): chr9:133,438,293, G>T. VCF-style: chr9-133438293-G-T. GRCh37 (hg19) VCF-style: chr9-136303413-G-T.
Other names: p.Arg544Ser; c.1632G>T, p.Arg544Ser (NM_139025.5); c.1539G>T, p.Arg513Ser (NM_139026.6); short protein forms R544S, R513S.
Identifiers: ClinVar variation 2059688 (VCV002059688.8), dbSNP rs142282539, ClinGen allele CA200930745.